The following is an entry in ClinVar:

ClinVar aggregate classification (germline): Uncertain significance (1 of 4 stars; one submission).

Conditions:
Familial thoracic aortic aneurysm and aortic dissection (TAAD). Also called: Thoracic aortic aneurysms and dissections. Identifiers: Orphanet 91387, MedGen C4707243, MONDO:0019625.

Allele frequency attached by ClinVar (database versions not stated): gnomAD exomes below 0.00001; ExAC 0.00001.
gnomAD v4.1: 1 of 1,614,006 alleles (0.000062%); highest among the groups gnomAD compares: Non-Finnish European, 0.000085%; no homozygotes.

Submission:

Ambry Genetics
Classification: Uncertain significance for Familial thoracic aortic aneurysm and aortic dissection. Last evaluated: 2024-02-29. Review status: criteria provided, single submitter. Criteria: Ambry Variant Classification Scheme 2023. Collection method: clinical testing. Allele origin: germline.
Comment: The p.Y2635H variant (also known as c.7903T>C), located in coding exon 62 of the FBN2 gene, results from a T to C substitution at nucleotide position 7903. The tyrosine at codon 2635 is replaced by histidine, an amino acid with similar properties. This amino acid position is well conserved in available vertebrate species. In addition, this alteration is predicted to be deleterious by in silico analysis. Based on the available evidence, the clinical significance of this alteration remains unclear.

NM_001999.4(FBN2):c.7903T>C (p.Tyr2635His)

Gene: FBN2 (fibrillin 2; minus strand). Cytogenetic location: 5q23.3.
Variant type: single nucleotide variant.
Coding change: c.7903T>C on transcript NM_001999.4 (MANE Select); coding-DNA position 7903, T replaced by C.
Protein change: p.Tyr2635His; replaces tyrosine 2635 with histidine.
Molecular consequence: missense variant.
Genome position (GRCh38, 1-based): chr5:128,272,056, A>G on the plus strand (T>C on the coding strand, the complement: FBN2 is on the minus strand). VCF-style: chr5-128272056-A-G. GRCh37 (hg19) VCF-style: chr5-127607748-A-G.
Other names: short protein forms Y2635H.
Identifiers: ClinVar variation 3221978 (VCV003221978.1), dbSNP rs750935473, ClinGen allele CA3393981.